The following is an entry in ClinVar:

ClinVar aggregate classification (germline): Uncertain significance (1 of 4 stars; one submission).

Conditions:
Combined immunodeficiency due to LRBA deficiency. Also called: Common variable immunodeficiency 8, with autoimmunity. Identifiers: Orphanet 445018, MedGen C3553512, MONDO:0013863, OMIM 614700.

Submission:

Labcorp Genetics (formerly Invitae), Labcorp
Classification: Uncertain significance for Combined immunodeficiency due to LRBA deficiency. Last evaluated: 2024-09-30. Review status: criteria provided, single submitter. Criteria: Invitae Variant Classification Sherloc (09022015). Collection method: clinical testing. Allele origin: germline.
Comment: This variant, c.6433_6435del, results in the deletion of 1 amino acid(s) of the LRBA protein (p.Arg2145del), but otherwise preserves the integrity of the reading frame. This variant is not present in population databases (gnomAD no frequency). This variant has not been reported in the literature in individuals affected with LRBA-related conditions. Experimental studies and prediction algorithms are not available or were not evaluated, and the functional significance of this variant is currently unknown. In summary, the available evidence is currently insufficient to determine the role of this variant in disease. Therefore, it has been classified as a Variant of Uncertain Significance.

NM_001364905.1(LRBA):c.6397CGT[1] (p.Arg2134del)

Gene: LRBA (LPS responsive beige-like anchor protein; minus strand). Cytogenetic location: 4q31.3.
Variant type: Microsatellite.
Coding change: c.6397CGT[1] on transcript NM_001364905.1 (MANE Select); one copy of the 3-base unit CGT starting at c.6397; the reference has two copies in a row; one copy, 3 bases deleted.
Protein change: p.Arg2134del; deletes arginine 2134.
Molecular consequence: inframe deletion. On other transcripts: inframe indel (2).
Genome position (GRCh38, 1-based): chr4:150,490,964-150,490,966, ACG deleted on the plus strand (CGT on the coding strand, the reverse complement: LRBA is on the minus strand); deleting any 3 consecutive bases within chr4:150,490,964-150,490,970 gives the same sequence; the position shown is the placement nearest the transcript's 3' end. VCF-style (leftmost placement, unchanged base first): chr4-150490963-AACG-A. GRCh37 (hg19) VCF-style: chr4-151412115-AACG-A.
Other names: c.6396_6398TCG[1], p.Arg2134del (NM_001199282.3); c.6397CGT[1], p.Arg2134del (NM_001367550.1); c.6429_6431TCG[1], p.Arg2145del (NM_006726.5); short protein forms R2134del, R2145del.
Identifiers: ClinVar variation 2054680 (VCV002054680.4), dbSNP rs2546555193, ClinGen allele CA2580616784.
Genomic context (GRCh38, chr4:150,490,963, plus strand): 5'-TCTGTAACACATTACCTCTGTTTGCCATAAAGATCTCCAGGGCTGTATTTTGCAAAAGAT[AACG>A]ACGAGAAAAGATTGATCGTATCTCTGTGAACAGCCATTTTCCATGCAGCCCTTCTGTATA-3'